The following is an entry in ClinVar:

ClinVar aggregate classification (germline): Benign/Likely benign. Review status: criteria provided, multiple submitters, no conflicts (2 of 4 stars). 6 submissions from 6 submitters: Benign (2); Likely benign (3). 1 of the submissions does not count toward it. Last evaluated 2026-01-24.

Conditions:
Mendelian susceptibility to mycobacterial diseases due to partial STAT1 deficiency. Also called: IMMUNODEFICIENCY 31A, MYCOBACTERIOSIS, AUTOSOMAL DOMINANT; STAT1 DEFICIENCY, AUTOSOMAL DOMINANT; Immunodeficiency 31a. Identifiers: Orphanet 319595, MedGen C4013950, MONDO:0013956, OMIM 614892.
STAT1-related disorder. Also called: STAT1-related condition.
Immunodeficiency 31B. Also called: IMMUNODEFICIENCY 31B, MYCOBACTERIAL AND VIRAL INFECTIONS, AUTOSOMAL RECESSIVE; STAT1 DEFICIENCY, AUTOSOMAL RECESSIVE. Identifiers: Orphanet 391311, MedGen C3151088, MONDO:0013427, OMIM 613796.
Autoimmune enteropathy and endocrinopathy - susceptibility to chronic infections syndrome. Also called: Immunodeficiency 31C, autosomal dominant; Immunodeficiency 31C. Identifiers: Orphanet 391487, MedGen C3279990, MONDO:0013599, OMIM 614162.

Allele frequency attached by ClinVar (database versions not stated): 1000 Genomes Project 30x 0.00047; 1000 Genomes Project 0.00060; gnomAD 0.00070; TOPMed 0.00080; gnomAD exomes 0.00116 and 0.00117; ESP Exome Variant Server 0.00123; ExAC 0.00160.
gnomAD v4.1: 1,780 of 1,613,874 alleles (0.11%); highest among the groups gnomAD compares: South Asian, 0.24%; 4 homozygotes.

Submissions (11):

Labcorp Genetics (formerly Invitae), Labcorp
Classification: Benign for Mendelian susceptibility to mycobacterial diseases due to partial STAT1 deficiency; Immunodeficiency 31B; Autoimmune enteropathy and endocrinopathy - susceptibility to chronic infections syndrome. Last evaluated: 2026-01-24. Review status: criteria provided, single submitter. Criteria: Invitae Variant Classification Sherloc (09022015). Collection method: clinical testing. Allele origin: germline.

Mayo Clinic Laboratories, Mayo Clinic
Classification: Likely benign. Last evaluated: 2025-12-11. Review status: criteria provided, single submitter. Criteria: ACMG Guidelines, 2015. Collection method: clinical testing. Allele origin: germline. Observed: 1 variant allele.
Comment: BS1, BP4, BP7

Blueprint Genetics
Classification: Likely benign. Last evaluated: 2024-11-08. Review status: criteria provided, single submitter. Criteria: ACMG Guidelines, 2015. Collection method: clinical testing. Allele origin: germline.

CeGaT Center for Human Genetics Tuebingen
Classification: Likely benign. Last evaluated: 2024-10-01. Review status: criteria provided, single submitter. Criteria: CeGaT Center For Human Genetics Tuebingen Variant Classification Criteria Version 2. Collection method: clinical testing. Allele origin: germline. Affected: yes. Observed: 1 variant allele.
Comment: STAT1: BS2

Illumina Laboratory Services, Illumina
Classification: Benign for Mendelian susceptibility to mycobacterial diseases due to partial STAT1 deficiency. Last evaluated: 2018-01-12. Review status: criteria provided, single submitter. Criteria: ICSL Variant Classification Criteria 13 December 2019. Collection method: clinical testing. Allele origin: germline.
Comment: This variant was observed in the ICSL laboratory as part of a predisposition screen in an ostensibly healthy population. It had not been previously curated by ICSL or reported in the Human Gene Mutation Database (HGMD: prior to June 1st, 2018), and was therefore a candidate for classification through an automated scoring system. Utilizing variant allele frequency, disease prevalence and penetrance estimates, and inheritance mode, an automated score was calculated to assess if this variant is too frequent to cause the disease. Based on the score and internal cut-off values, a variant classified as benign is not then subjected to further curation. The score for this variant resulted in a classification of benign for this disease.

PreventionGenetics, part of Exact Sciences
Classification: Likely benign for STAT1-related condition. Last evaluated: 2024-01-11. Review status: no assertion criteria provided. Collection method: clinical testing. Allele origin: germline. Not counted in ClinVar's aggregate classification.
Comment: This variant is classified as likely benign based on ACMG/AMP sequence variant interpretation guidelines (Richards et al. 2015 PMID: 25741868, with internal and published modifications).

Dr. Peter K. Rogan Lab, Western University
No classification provided (evidence only). Condition: Malignant tumor of urinary bladder. Review status: no classification provided. Collection method: in vitro. Allele origin: not applicable. Functional consequence: retained intron. Not counted in ClinVar's aggregate classification.

Dr. Peter K. Rogan Lab, Western University
No classification provided (evidence only). Condition: Familial cancer of breast. Review status: no classification provided. Collection method: in vitro. Allele origin: not applicable. Functional consequence: retained intron. Not counted in ClinVar's aggregate classification.

Dr. Peter K. Rogan Lab, Western University
No classification provided (evidence only). Condition: Familial cancer of breast. Review status: no classification provided. Collection method: in vitro. Allele origin: not applicable. Functional consequence: retained intron. Not counted in ClinVar's aggregate classification.

Dr. Peter K. Rogan Lab, Western University
No classification provided (evidence only). Condition: Thyroid cancer, nonmedullary, 1. Review status: no classification provided. Collection method: in vitro. Allele origin: not applicable. Functional consequence: retained intron. Not counted in ClinVar's aggregate classification.

Dr. Peter K. Rogan Lab, Western University
No classification provided (evidence only). Condition: Cervical cancer. Review status: no classification provided. Collection method: in vitro. Allele origin: not applicable. Functional consequence: retained intron. Not counted in ClinVar's aggregate classification.

NM_007315.4(STAT1):c.1872C>T (p.Gly624=)

Gene: STAT1 (signal transducer and activator of transcription 1; minus strand). Cytogenetic location: 2q32.2.
Variant type: single nucleotide variant.
Coding change: c.1872C>T on transcript NM_007315.4 (MANE Select); coding-DNA position 1872, C replaced by T.
Protein change: p.Gly624=; no amino-acid change (glycine 624 retained).
Molecular consequence: synonymous variant.
Genome position (GRCh38, 1-based): chr2:190,978,857, G>A on the plus strand (C>T on the coding strand, the complement: STAT1 is on the minus strand). VCF-style: chr2-190978857-G-A. GRCh37 (hg19) VCF-style: chr2-191843583-G-A.
Other names: p.Gly624=; c.1812C>T, p.Gly604= (NM_001384880.1); c.1878C>T, p.Gly626= (NM_001384881.1, NM_001384884.1); c.1866C>T, p.Gly622= (NM_001384882.1); c.1773C>T, p.Gly591= (NM_001384883.1); c.1713C>T, p.Gly571= (NM_001384885.1); c.1872C>T, p.Gly624= (NM_001384886.1, NM_001384889.1, NM_139266.3); c.1779C>T, p.Gly593= (NM_001384887.1); and 3 more.
Identifiers: ClinVar variation 333265 (VCV000333265.34), dbSNP rs2230101, ClinGen allele CA2029802.